The following is an entry in ClinVar:

ClinVar aggregate classification (germline): Uncertain significance (1 of 4 stars; one submission).

Submission:

GeneDx
Classification: Uncertain significance. Last evaluated: 2025-02-15. Review status: criteria provided, single submitter. Criteria: GeneDx Variant Classification Process June 2021. Collection method: clinical testing. Allele origin: germline. Affected: yes.
Comment: Not observed at significant frequency in large population cohorts (gnomAD); In silico analysis supports that this missense variant has a deleterious effect on protein structure/function; Has not been previously published as pathogenic or benign to our knowledge

NM_001384732.1(CPLANE1):c.8705T>C (p.Ile2902Thr)

Gene: CPLANE1 (ciliogenesis and planar polarity effector complex subunit 1; minus strand). Cytogenetic location: 5p13.2.
Variant type: single nucleotide variant.
Coding change: c.8705T>C on transcript NM_001384732.1 (MANE Select); coding-DNA position 8705, T replaced by C.
Protein change: p.Ile2902Thr; replaces isoleucine 2902 with threonine.
Molecular consequence: missense variant.
Genome position (GRCh38, 1-based): chr5:37,138,807, A>G on the plus strand (T>C on the coding strand, the complement: CPLANE1 is on the minus strand). VCF-style: chr5-37138807-A-G. GRCh37 (hg19) VCF-style: chr5-37138909-A-G.
Other names: c.8543T>C, p.Ile2848Thr (NM_023073.4); short protein forms I2848T, I2902T.
Identifiers: ClinVar variation 4075542 (VCV004075542.1).